The following is an entry in ClinVar:

NM_000439.5(PCSK1):c.462A>C (p.Lys154Asn)

Genes: CAST (calpastatin; plus strand), PCSK1 (proprotein convertase subtilisin/kexin type 1; minus strand), LOC101929710 (uncharacterized LOC101929710; plus strand). Cytogenetic location: 5q15.
Variant type: single nucleotide variant.
Coding change: c.462A>C on transcript NM_000439.5 (MANE Select); coding-DNA position 462, A replaced by C.
Protein change: p.Lys154Asn; replaces lysine 154 with asparagine.
Molecular consequence: missense variant. On other transcripts: intron variant (11).
Genome position (GRCh38, 1-based): chr5:96,423,394, T>G on the plus strand (A>C on the coding strand, the complement: PCSK1 is on the minus strand). VCF-style: chr5-96423394-T-G. GRCh37 (hg19) VCF-style: chr5-95759098-T-G.
Other names: c.321A>C, p.Lys107Asn (NM_001177875.2); c.-175+43742T>G (NM_001423254.1, NM_001423259.1, NM_001423255.1 and 6 more transcripts); c.-103+43742T>G (NM_001423253.1); c.-40+43742T>G (NM_001423258.1); short protein forms K107N, K154N.
Identifiers: ClinVar variation 3350263 (VCV003350263.1).

ClinVar aggregate classification (germline): Uncertain significance (0 of 4 stars; one submission).

Conditions:
PCSK1-related disorder. Also called: PCSK1-related condition.

gnomAD v4.1: 18 of 1,613,726 alleles (0.0011%); highest among the groups gnomAD compares: African/African-American, 0.024%; no homozygotes.

Submission:

PreventionGenetics, part of Exact Sciences
Classification: Uncertain significance for PCSK1-related condition. Last evaluated: 2024-08-09. Review status: no assertion criteria provided. Collection method: clinical testing. Allele origin: germline.
Comment: The PCSK1 c.462A>C variant is predicted to result in the amino acid substitution p.Lys154Asn. This variant was observed in a cohort of obese individuals, and in vitro functional studies showed inconclusive evidence of loss of function (Supplemental Data Set, Shah et al. 2023. PubMed ID: 36864747). This variant is reported in 0.012% of alleles in individuals of African descent in gnomAD. At this time, the clinical significance of this variant is uncertain due to the absence of conclusive functional and genetic evidence.